The following is an entry in ClinVar:

ClinVar aggregate classification (germline): Likely pathogenic (1 of 4 stars; one submission).

Conditions:
X-linked hydrocephalus syndrome (HYCX). Also called: X-Linked Hydrocephalus with Stenosis of the Aqueduct of Sylvius; X-Linked Hydrocephalus with Stenosis of the Aqueduct of Sylvius (HSAS); AQUEDUCTAL STENOSIS, X-LINKED; HYDROCEPHALUS, CONGENITAL, X-LINKED; X-linked hydrocephalus. Identifiers: Orphanet 2182, MedGen C0265216, MONDO:0010611, OMIM 307000.

Submission:

Victorian Clinical Genetics Services, Murdoch Childrens Research Institute
Classification: Likely pathogenic for X-linked hydrocephalus syndrome. Last evaluated: 2025-06-16. Review status: criteria provided, single submitter. Criteria: ACMG Guidelines, 2015. Collection method: clinical testing. Allele origin: germline. Affected: no.
Comment: This variant is classified as Likely pathogenic. Evidence in support of pathogenic classification: In-frame insertion in a non-repetitive region that has high conservation; Variant is absent from gnomAD (v2, v3 and v4); This variant has moderate functional evidence supporting abnormal protein function. This variant has been shown to strongly reduce the ratio of L1CAM protein targeted to the cell surface, increasing its intracellular accumulation. In addition, it also leads to inhibition of protective and anti-apoptotic effects, and growth restriction of the longest neurite in NSC34 cells (unpublished data, Australian Functional Genomics Network); Strong phenotype match for this individual's previously affected son. Additional information: This variant is heterozygous; This gene is associated with X-linked recessive disease; This variant has no previous evidence of pathogenicity; No comparable inframe variants have previous evidence for pathogenicity. However, a missense variant affecting one of the duplicated residues (p.(Tyr194Cys)) has been reported in a hemizygous individual with hydrocephalus with functional studies supporting pathogenicity (PMID: 12442287, 8929944); Variant is located in the annotated Ig-like C2-type 2 domain, which has been shown to affect homophilic interactions and induce neurite extension (UniProt, PMID: 7493978); Loss of function is a known mechanism of disease in this gene and is associated with partial agenesis of corpus callosum (MIM#304100), congenital hydrocephalus (MIM#307000), and MASA syndrome (MIM#303350); Variants in this gene are known to have variable expressivity. Both interfamilial and intrafamilial variability have been reported (PMID: 7562969, 16650080); Inheritance information for this variant is not currently available in this individual.

Literature cited by the submitters: PubMed 16650080; PubMed 7493978; PubMed 12442287; PubMed 8929944; PubMed 7562969.

NM_001278116.2(L1CAM):c.574_582dup (p.Tyr194_Phe195insAsnLeuTyr)

Gene: L1CAM (L1 cell adhesion molecule; minus strand). Cytogenetic location: Xq28.
Variant type: Duplication.
Coding change: c.574_582dup on transcript NM_001278116.2 (MANE Select); coding-DNA positions 574 to 582, 9 bases duplicated (AACCTCTAC; older notation c.574_582dupAACCTCTAC).
Protein change: p.Tyr194_Phe195insAsnLeuTyr.
Molecular consequence: inframe insertion.
Genome position (GRCh38, 1-based): chrX:153,870,902-153,870,910, GTAGAGGTT duplicated on the plus strand (AACCTCTAC on the coding strand, the reverse complement: L1CAM is on the minus strand); duplicating any 9 consecutive bases within chrX:153,870,902-153,870,911 gives the same sequence; the c. name uses the placement nearest the transcript's 3' end. VCF-style (leftmost placement, unchanged base first): chrX-153870901-A-AGTAGAGGTT. GRCh37 (hg19) VCF-style: chrX-153136356-A-AGTAGAGGTT.
Other names: c.574_582dup, p.Tyr194_Phe195insAsnLeuTyr (NM_000425.5, NM_024003.3); c.559_567dup, p.Tyr189_Phe190insAsnLeuTyr (NM_001143963.2).
Identifiers: ClinVar variation 1699076 (VCV001699076.5), dbSNP rs2148498765, ClinGen allele CA2573130267.